The following is an entry in ClinVar:

NM_001001957.2(OR2W3):c.930G>A (p.Glu310=)

Gene: OR2W3 (olfactory receptor family 2 subfamily W member 3; plus strand). Cytogenetic location: 1q44.
Variant type: single nucleotide variant.
Coding change: c.930G>A on transcript NM_001001957.2 (MANE Select); coding-DNA position 930, G replaced by A.
Protein change: p.Glu310=; no amino-acid change (glutamic acid 310 retained).
Molecular consequence: synonymous variant.
Genome position (GRCh38, 1-based): chr1:247,896,516, G>A. VCF-style: chr1-247896516-G-A. GRCh37 (hg19) VCF-style: chr1-248059818-G-A.
Identifiers: ClinVar variation 2979046 (VCV002979046.3), dbSNP rs1470926051, ClinGen allele CA424739714.

ClinVar aggregate classification (germline): Uncertain significance (1 of 4 stars; one submission).

Allele frequency attached by ClinVar (database versions not stated): gnomAD exomes below 0.00001; gnomAD 0.00002; TOPMed 0.00002.

Submission:

Labcorp Genetics (formerly Invitae), Labcorp
Classification: Uncertain significance. Last evaluated: 2024-11-04. Review status: criteria provided, single submitter. Criteria: Invitae Variant Classification Sherloc (09022015). Collection method: clinical testing. Allele origin: germline.
Comment: This sequence change affects codon 310 of the OR2W3 mRNA. It is a 'silent' change, meaning that it does not change the encoded amino acid sequence of the OR2W3 protein. This variant is present in population databases (no rsID available, gnomAD 0.003%). This variant has not been reported in the literature in individuals affected with OR2W3-related conditions. ClinVar contains an entry for this variant (Variation ID: 2979046). In summary, the available evidence is currently insufficient to determine the role of this variant in disease. Therefore, it has been classified as a Variant of Uncertain Significance.